The following is an entry in ClinVar:

NM_003072.5(SMARCA4):c.3192G>T (p.Gly1064=)

Gene: SMARCA4 (SWI/SNF related BAF chromatin remodeling complex subunit ATPase 4; plus strand). Cytogenetic location: 19p13.2.
Variant type: single nucleotide variant.
Coding change: c.3192G>T on transcript NM_003072.5 (MANE Select); coding-DNA position 3192, G replaced by T.
Protein change: p.Gly1064=; no amino-acid change (glycine 1064 retained).
Molecular consequence: synonymous variant. On other transcripts: non-coding transcript variant (1).
Genome position (GRCh38, 1-based): chr19:11,026,323, G>T. VCF-style: chr19-11026323-G-T. GRCh37 (hg19) VCF-style: chr19-11136999-G-T.
Other names: c.3192G>T, p.Gly1064= (NM_001128844.3, NM_001128845.2, NM_001128846.2 and 5 more transcripts).
Identifiers: ClinVar variation 484966 (VCV000484966.11), dbSNP rs773244413, ClinGen allele CA9204356.
Genomic context (GRCh38, chr19:11,026,323, plus strand): 5'-CCTGCCTGTCACTGACCCCTCTCTCCTTGCCTTGCAGGAGTCCTTTTCCGAGCACTTGGG[G>T]TTCACTGGCGGCATTGTCCAAGGGTGAGAAGCTTCCCAACTGGATGGGGTGGGCAGGTGG-3'
Protein context (NP_003063.2, residues 1054-1074): HIEESFSEHL[Gly1064=]FTGGIVQGLD

ClinVar aggregate classification (germline): Benign/Likely benign. Review status: criteria provided, multiple submitters, no conflicts (2 of 4 stars). 3 submissions from 3 submitters: Benign (1); Likely benign (2). Last evaluated 2026-07-14.

Conditions:
Hereditary cancer-predisposing syndrome. Also called: Tumor predisposition; Neoplastic Syndromes, Hereditary; Hereditary Cancer Syndrome; Hereditary neoplastic syndrome. Identifiers: Orphanet 140162, MedGen C0027672, MeSH D009386, MONDO:0015356.
Rhabdoid tumor predisposition syndrome 2 (RTPS2). Identifiers: Orphanet 231108, Orphanet 69077, MedGen C2750074, MONDO:0013224, OMIM 613325.

Allele frequency attached by ClinVar (database versions not stated): TOPMed below 0.00001; gnomAD exomes 0.00002 and 0.00001; ExAC 0.00003; gnomAD 0.00001.
gnomAD v4.1: 7 of 1,613,840 alleles (0.00043%); highest among the groups gnomAD compares: Non-Finnish European, 0.00059%; no homozygotes.

Submissions (3):

Myriad Genetics, Inc.
Classification: Benign for Rhabdoid tumor predisposition syndrome 2. Last evaluated: 2026-07-14. Review status: criteria provided, single submitter. Criteria: Myriad Autosomal Dominant, Autosomal Recessive and X-Linked Classification Criteria (2023). Collection method: clinical testing. Allele origin: unknown.
Comment: This variant is considered benign. This variant is a silent/synonymous amino acid change and it is not expected to impact splicing.

Labcorp Genetics (formerly Invitae), Labcorp
Classification: Likely benign for Rhabdoid tumor predisposition syndrome 2. Last evaluated: 2025-03-26. Review status: criteria provided, single submitter. Criteria: Invitae Variant Classification Sherloc (09022015). Collection method: clinical testing. Allele origin: germline.

Ambry Genetics
Classification: Likely benign for Hereditary cancer-predisposing syndrome. Last evaluated: 2017-06-07. Review status: criteria provided, single submitter. Criteria: Ambry Variant Classification Scheme 2023. Collection method: clinical testing. Allele origin: germline.